The following is an entry in ClinVar:

NM_006231.4(POLE):c.1107-2A>G

Gene: POLE (DNA polymerase epsilon, catalytic subunit; minus strand). Cytogenetic location: 12q24.33.
Variant type: single nucleotide variant.
Coding change: c.1107-2A>G on transcript NM_006231.4 (MANE Select); the canonical splice acceptor site of the intron before coding-DNA position 1107, A replaced by G.
Molecular consequence: splice acceptor variant.
Genome position (GRCh38, 1-based): chr12:132,675,519, T>C on the plus strand (A>G on the coding strand, the complement: POLE is on the minus strand). VCF-style: chr12-132675519-T-C. GRCh37 (hg19) VCF-style: chr12-133252105-T-C.
Identifiers: ClinVar variation 577530 (VCV000577530.9), dbSNP rs1565975328, ClinGen allele CA387361254.

ClinVar aggregate classification (germline): Likely pathogenic (1 of 4 stars; one submission).

Submission:

Labcorp Genetics (formerly Invitae), Labcorp
Classification: Likely pathogenic. Last evaluated: 2022-05-11. Review status: criteria provided, single submitter. Criteria: Invitae Variant Classification Sherloc (09022015). Collection method: clinical testing. Allele origin: germline.
Comment: This sequence change affects an acceptor splice site in intron 11 of the POLE gene. It is expected to disrupt RNA splicing. Variants that disrupt the donor or acceptor splice site typically lead to a loss of protein function (PMID: 16199547), and loss-of-function variants in POLE are known to be pathogenic (PMID: 23230001, 25948378, 30503519). This variant is not present in population databases (gnomAD no frequency). This variant has not been reported in the literature in individuals affected with POLE-related conditions. ClinVar contains an entry for this variant (Variation ID: 577530). Algorithms developed to predict the effect of sequence changes on RNA splicing suggest that this variant may disrupt the consensus splice site. In summary, the currently available evidence indicates that the variant is pathogenic, but additional data are needed to prove that conclusively. Therefore, this variant has been classified as Likely Pathogenic.

Literature cited by the submitters: PubMed 16199547; PubMed 23230001; PubMed 25948378; PubMed 30503519.